The following is an entry in ClinVar:

ClinVar aggregate classification (germline): Likely benign. Review status: criteria provided, multiple submitters, no conflicts (2 of 4 stars). 3 submissions from 3 submitters: Likely benign (3). Last evaluated 2025-11-21.

Conditions:
Catecholaminergic polymorphic ventricular tachycardia (CVPT). Also called: Catecholamine-induced polymorphic ventricular tachycardia. Identifiers: Orphanet 3286, MedGen C5574922, MONDO:0017990.
Catecholaminergic polymorphic ventricular tachycardia 1. Also called: VENTRICULAR TACHYCARDIA, CATECHOLAMINERGIC POLYMORPHIC, 1, WITH OR WITHOUT ATRIAL DYSFUNCTION AND/OR DILATED CARDIOMYOPATHY; RYR2-Related Catecholaminergic Polymorphic Ventricular Tachycardia; VENTRICULAR TACHYCARDIA, STRESS-INDUCED POLYMORPHIC 1. Identifiers: Orphanet 3286, MedGen C1631597, MONDO:0011484, OMIM 604772.
Cardiomyopathy (CMYO). Also called: Cardiomyopathies. Identifiers: Orphanet 167848, MedGen C0878544, MONDO:0004994, HP:0001638. Inheritance: Various modes of inheritance.

gnomAD v4.1: 13 of 1,595,174 alleles (0.00081%); highest among the groups gnomAD compares: African/African-American, 0.0014%; no homozygotes.

Submissions (3):

Labcorp Genetics (formerly Invitae), Labcorp
Classification: Likely benign for Catecholaminergic polymorphic ventricular tachycardia 1. Last evaluated: 2025-11-21. Review status: criteria provided, single submitter. Criteria: Invitae Variant Classification Sherloc (09022015). Collection method: clinical testing. Allele origin: germline.

All of Us Research Program, National Institutes of Health
Classification: Likely benign for Catecholaminergic polymorphic ventricular tachycardia. Last evaluated: 2024-02-05. Review status: criteria provided, single submitter. Criteria: ACMG Guidelines, 2015. Collection method: clinical testing. Allele origin: germline. Inheritance: Autosomal dominant inheritance. Observed: 3 variant alleles, 3 heterozygotes.
Comment: This variant causes a C to G nucleotide substitution at the -11 position of intron 47 of the RYR2 gene. To our knowledge, functional studies have not been reported for this variant. This variant has not been reported in individuals affected with RYR2-related disorders in the literature. This variant has not been identified in the general population by the Genome Aggregation Database (gnomAD). The available evidence is insufficient to determine the role of this variant in disease conclusively. Therefore, this variant is classified as a Variant of Uncertain Significance.

This study involves interpretation of variants in research participants for the purpose of population health screening. Participant phenotype was not available at the time of variant classification. Additional details can be found in publication PMID: 35346344, PMCID: PMC8962531

Color Diagnostics, LLC DBA Color Health
Classification: Likely benign for Cardiomyopathy. Last evaluated: 2024-01-23. Review status: criteria provided, single submitter. Criteria: ACMG Guidelines, 2015. Collection method: clinical testing. Allele origin: germline.

NM_001035.3(RYR2):c.7222-11C>G

Gene: RYR2 (ryanodine receptor 2; plus strand). Cytogenetic location: 1q43.
Variant type: single nucleotide variant.
Coding change: c.7222-11C>G on transcript NM_001035.3 (MANE Select); 11 bases into the intron before coding-DNA position 7222, C replaced by G.
Molecular consequence: intron variant.
Genome position (GRCh38, 1-based): chr1:237,643,316, C>G. VCF-style: chr1-237643316-C-G. GRCh37 (hg19) VCF-style: chr1-237806616-C-G.
Identifiers: ClinVar variation 2044298 (VCV002044298.6), dbSNP rs1284901839, ClinGen allele CA733311622.
Genomic context (GRCh38, chr1:237,643,316, plus strand): 5'-CAGATTTCCTAGACAGAATTGTAACATTGATGTCACAAAGTTGTTCTAATGTTTTTTTTT[C>G]CCCTGTATAGTTGATTCATGCCGGGAAGGGAGAAGCCATCAGAATTAGGTCCATTTTGAG-3'